The following is an entry in ClinVar:

ClinVar aggregate classification (germline): Uncertain significance. Review status: criteria provided, multiple submitters, no conflicts (2 of 4 stars). 2 submissions from 2 submitters: Uncertain significance (2). Last evaluated 2022-08-07.

Conditions:
Inborn genetic diseases. Identifiers: MedGen C0950123, MeSH D030342.
Charcot-Marie-Tooth disease axonal type 2S. Also called: CHARCOT-MARIE-TOOTH DISEASE, AXONAL, AUTOSOMAL RECESSIVE, TYPE 2S; CHARCOT-MARIE-TOOTH NEUROPATHY, TYPE 2S. Identifiers: Orphanet 443073, MedGen C4015349, MONDO:0014511, OMIM 616155.
Autosomal recessive distal spinal muscular atrophy 1. Also called: SEVERE INFANTILE AXONAL NEUROPATHY WITH RESPIRATORY FAILURE; SPINAL MUSCULAR ATROPHY, DIAPHRAGMATIC; NEURONOPATHY, DISTAL HEREDITARY MOTOR, HARDING TYPE VI; NEUROPATHY, DISTAL HEREDITARY MOTOR, AUTOSOMAL RECESSIVE 1; HMN VI; Spinal muscular atrophy with respiratory distress 1. Identifiers: Orphanet 98920, MedGen C1858517, MONDO:0011436, OMIM 604320.

Allele frequency attached by ClinVar (database versions not stated): gnomAD exomes below 0.00001; gnomAD 0.00001 and 0.00002; TOPMed 0.00002.
gnomAD v4.1: 36 of 1,611,984 alleles (0.0022%); highest among the groups gnomAD compares: Admixed American, 0.0067%; no homozygotes.

Submissions (2):

Labcorp Genetics (formerly Invitae), Labcorp
Classification: Uncertain significance for Autosomal recessive distal spinal muscular atrophy 1; Charcot-Marie-Tooth disease axonal type 2S. Last evaluated: 2022-08-07. Review status: criteria provided, single submitter. Criteria: Invitae Variant Classification Sherloc (09022015). Collection method: clinical testing. Allele origin: germline.
Comment: This sequence change replaces arginine, which is basic and polar, with glutamine, which is neutral and polar, at codon 694 of the IGHMBP2 protein (p.Arg694Gln). This variant is present in population databases (no rsID available, gnomAD 0.004%). This variant has not been reported in the literature in individuals affected with IGHMBP2-related conditions. ClinVar contains an entry for this variant (Variation ID: 1002204). Advanced modeling of protein sequence and biophysical properties (such as structural, functional, and spatial information, amino acid conservation, physicochemical variation, residue mobility, and thermodynamic stability) performed at Invitae indicates that this missense variant is not expected to disrupt IGHMBP2 protein function. In summary, the available evidence is currently insufficient to determine the role of this variant in disease. Therefore, it has been classified as a Variant of Uncertain Significance.

Ambry Genetics
Classification: Uncertain significance for Inborn genetic diseases. Last evaluated: 2021-05-07. Review status: criteria provided, single submitter. Criteria: Ambry Variant Classification Scheme 2023. Collection method: clinical testing. Allele origin: germline.
Comment: The p.R694Q variant (also known as c.2081G>A), located in coding exon 13 of the IGHMBP2 gene, results from a G to A substitution at nucleotide position 2081. The arginine at codon 694 is replaced by glutamine, an amino acid with highly similar properties. This amino acid position is poorly conserved in available vertebrate species. In addition, this alteration is predicted to be tolerated by in silico analysis. Since supporting evidence is limited at this time, the clinical significance of this alteration remains unclear.

NM_002180.3(IGHMBP2):c.2081G>A (p.Arg694Gln)

Gene: IGHMBP2 (immunoglobulin mu DNA binding protein 2; plus strand). Cytogenetic location: 11q13.3.
Variant type: single nucleotide variant.
Coding change: c.2081G>A on transcript NM_002180.3 (MANE Select); coding-DNA position 2081, G replaced by A.
Protein change: p.Arg694Gln; replaces arginine 694 with glutamine.
Molecular consequence: missense variant.
Genome position (GRCh38, 1-based): chr11:68,936,561, G>A. VCF-style: chr11-68936561-G-A. GRCh37 (hg19) VCF-style: chr11-68704029-G-A.
Other names: short protein forms R694Q.
Identifiers: ClinVar variation 1002204 (VCV001002204.8), dbSNP rs943141487, ClinGen allele CA223413310.